The following is an entry in ClinVar:

ClinVar aggregate classification (germline): Pathogenic (1 of 4 stars; one submission).

Submission:

Labcorp Genetics (formerly Invitae), Labcorp
Classification: Pathogenic. Last evaluated: 2024-07-23. Review status: criteria provided, single submitter. Criteria: Invitae Variant Classification Sherloc (09022015). Collection method: clinical testing. Allele origin: germline.
Comment: This sequence change creates a premature translational stop signal (p.Asp110Valfs*13) in the MGME1 gene. It is expected to result in an absent or disrupted protein product. Loss-of-function variants in MGME1 are known to be pathogenic (PMID: 23313956). This variant is present in population databases (rs757302363, gnomAD 0.03%). This variant has not been reported in the literature in individuals affected with MGME1-related conditions. For these reasons, this variant has been classified as Pathogenic.

Literature cited by the submitters: PubMed 23313956.

NM_052865.4(MGME1):c.327_328dup (p.Asp110fs)

Genes: MGME1 (mitochondrial genome maintenance exonuclease 1; plus strand), LOC126862983 (CDK7 strongly-dependent group 2 enhancer GRCh37_chr20:17950167-17951366; plus strand). Cytogenetic location: 20p11.23.
Variant type: Duplication.
Coding change: c.327_328dup on transcript NM_052865.4 (MANE Select); coding-DNA positions 327 to 328, 2 bases duplicated (TG; older notation c.327_328dupTG).
Protein change: p.Asp110fs; shifts the reading frame from aspartic acid 110.
Molecular consequence: frameshift variant. On other transcripts: intron variant (1).
Genome position (GRCh38, 1-based): chr20:17,970,186-17,970,187, TG duplicated; duplicating any 2 consecutive bases within chr20:17,970,185-17,970,187 gives the same sequence; the c. name uses the placement nearest the transcript's 3' end. VCF-style (leftmost placement, unchanged base first): chr20-17970184-A-AGT. GRCh37 (hg19) VCF-style: chr20-17950827-A-AGT.
Other names: c.327_328dup, p.Asp110fs (NM_001310338.2, NM_001310339.2); c.271+56_271+57dup (NM_001363738.2); short protein forms D110fs.
Identifiers: ClinVar variation 2994316 (VCV002994316.3), dbSNP rs757302363, ClinGen allele CA9774914.